The following is an entry in ClinVar:

ClinVar aggregate classification (germline): Likely benign. Review status: criteria provided, multiple submitters, no conflicts (2 of 4 stars). 7 submissions from 7 submitters: Likely benign (7). Last evaluated 2025-04-21.

Conditions:
BRCA2-related cancer predisposition. Identifiers: MedGen CN377758, MONDO:0700269.
Breast and/or ovarian cancer. Identifiers: MedGen CN221562.
Hereditary cancer-predisposing syndrome. Also called: Hereditary neoplastic syndrome; Neoplastic Syndromes, Hereditary; Tumor predisposition; Hereditary Cancer Syndrome. Identifiers: Orphanet 140162, MedGen C0027672, MeSH D009386, MONDO:0015356.
Hereditary breast ovarian cancer syndrome. Also called: Hereditary breast and ovarian cancer syndrome (HBOC); Breast and ovarian cancer; Hereditary breast and ovarian cancer syndrome; Hereditary breast and ovarian cancer; Hereditary breast and/or ovarian cancer syndrome; BRCA1- and BRCA2-Associated Hereditary Breast and Ovarian Cancer. Identifiers: Orphanet 145, MedGen C0677776, MeSH D061325, MONDO:0003582. Disease mechanism: loss of function.
Breast-ovarian cancer, familial, susceptibility to, 2 (BROVCA2). Also called: BRCA2 Hereditary Breast and Ovarian Cancer. Identifiers: Orphanet 145, MedGen C2675520, MONDO:0012933, OMIM 612555. Disease mechanism: loss of function.

gnomAD v4.1: 6 of 1,614,114 alleles (0.00037%); highest among the groups gnomAD compares: Non-Finnish European, 0.00051%; no homozygotes.

Submissions (7):

Labcorp Genetics (formerly Invitae), Labcorp
Classification: Likely benign for Hereditary breast ovarian cancer syndrome. Last evaluated: 2025-04-21. Review status: criteria provided, single submitter. Criteria: Invitae Variant Classification Sherloc (09022015). Collection method: clinical testing. Allele origin: germline.

All of Us Research Program, National Institutes of Health
Classification: Likely benign for Breast-ovarian cancer, familial, susceptibility to, 2. Last evaluated: 2023-08-28. Review status: criteria provided, single submitter. Criteria: ACMG Guidelines, 2015. Collection method: clinical testing. Allele origin: germline. Inheritance: Autosomal dominant inheritance. Observed: 1 variant allele, 1 heterozygote.
Comment: This study involves interpretation of variants in research participants for the purpose of population health screening. Participant phenotype was not available at the time of variant classification. Additional details can be found in publication PMID: 35346344, PMCID: PMC8962531

Color Diagnostics, LLC DBA Color Health
Classification: Likely benign for Hereditary cancer-predisposing syndrome. Last evaluated: 2022-04-05. Review status: criteria provided, single submitter. Criteria: ACMG Guidelines, 2015. Collection method: clinical testing. Allele origin: germline.

Department of Pathology and Laboratory Medicine, Sinai Health System
Classification: Likely benign for BRCA2-related cancer predisposition. Last evaluated: 2021-10-26. Review status: criteria provided, single submitter. Criteria: ACMG Guidelines, 2015. Collection method: clinical testing. Allele origin: germline.

CHEO Genetics Diagnostic Laboratory, Children's Hospital of Eastern Ontario
Classification: Likely benign for Breast and/or ovarian cancer. Last evaluated: 2020-11-02. Review status: criteria provided, single submitter. Criteria: ACMG Guidelines, 2015. Collection method: clinical testing. Allele origin: germline.

Ambry Genetics
Classification: Likely benign for Hereditary cancer-predisposing syndrome. Last evaluated: 2017-01-19. Review status: criteria provided, single submitter. Criteria: Ambry Variant Classification Scheme 2023. Collection method: clinical testing. Allele origin: germline.

GeneDx
Classification: Likely benign. Last evaluated: 2017-01-18. Review status: criteria provided, single submitter. Criteria: GeneDx Variant Classification (06012015). Collection method: clinical testing. Allele origin: germline. Affected: yes.
Comment: This variant is considered likely benign or benign based on one or more of the following criteria: it is a conservative change, it occurs at a poorly conserved position in the protein, it is predicted to be benign by multiple in silico algorithms, and/or has population frequency not consistent with disease.

NM_000059.4(BRCA2):c.7602G>T (p.Ala2534=)

Gene: BRCA2 (BRCA2 DNA repair associated; plus strand). Cytogenetic location: 13q13.1.
Variant type: single nucleotide variant.
Coding change: c.7602G>T on transcript NM_000059.4 (MANE Select); coding-DNA position 7602, G replaced by T.
Protein change: p.Ala2534=; no amino-acid change (alanine 2534 retained).
Molecular consequence: synonymous variant.
Genome position (GRCh38, 1-based): chr13:32,356,594, G>T. VCF-style: chr13-32356594-G-T. GRCh37 (hg19) VCF-style: chr13-32930731-G-T.
Identifiers: ClinVar variation 481588 (VCV000481588.19), dbSNP rs81002826, ClinGen allele CA247470176.